The following is an entry in ClinVar:

NM_015330.6(SPECC1L):c.3227T>C (p.Phe1076Ser)

Genes: SPECC1L (sperm antigen with calponin homology and coiled-coil domains 1 like; plus strand), SPECC1L-ADORA2A (SPECC1L-ADORA2A readthrough (NMD candidate); plus strand). Cytogenetic location: 22q11.23.
Variant type: single nucleotide variant.
Coding change: c.3227T>C on transcript NM_015330.6 (MANE Select); coding-DNA position 3227, T replaced by C.
Protein change: p.Phe1076Ser; replaces phenylalanine 1076 with serine.
Molecular consequence: missense variant. On other transcripts: non-coding transcript variant (1).
Genome position (GRCh38, 1-based): chr22:24,412,670, T>C. VCF-style: chr22-24412670-T-C. GRCh37 (hg19) VCF-style: chr22-24808638-T-C.
Other names: c.3227T>C, p.Phe1076Ser (NM_001145468.4); c.3110T>C, p.Phe1037Ser (NM_001254732.3); c.425T>C, p.Phe142Ser (NM_001254733.2); short protein forms F1037S, F1076S, F142S.
Identifiers: ClinVar variation 2633680 (VCV002633680.2), dbSNP rs2517845382, ClinGen allele CA410955552.
Genomic context (GRCh38, chr22:24,412,670, plus strand): 5'-CTTGTTCATGCACTGCAGTGACACAGTTTCTTTTACAGAGAAGGAACTTCATGCTGGCTT[T>C]CCAGGCAGCTGAAAGTGTCGGCATCAAATCCACACTGGTGAGCCCTTGTCCCCCTGAGTC-3'
Protein context (NP_056145.5, residues 1066-1086): QDKRRNFMLA[Phe1076Ser]QAAESVGIKS

ClinVar aggregate classification (germline): Uncertain significance (1 of 4 stars; one submission).

Conditions:
SPECC1L-related disorder. Also called: SPECC1L-related condition.

Submission:

PreventionGenetics, part of Exact Sciences
Classification: Uncertain significance for SPECC1L-related condition. Last evaluated: 2026-07-14. Review status: criteria provided, single submitter. Criteria: ACMG Guidelines, 2015. Collection method: clinical testing. Allele origin: germline.
Comment: The SPECC1L c.3227T>C variant is predicted to result in the amino acid substitution p.Phe1076Ser. To our knowledge, this variant has not been reported in the literature or in a large population database (gnomAD), indicating this variant is rare. At this time, the clinical significance of this variant is uncertain due to the absence of conclusive functional and genetic evidence.